The following is an entry in ClinVar:

NM_000639.3(FASLG):c.397C>T (p.His133Tyr)

Gene: FASLG (Fas ligand; plus strand). Cytogenetic location: 1q24.3.
Variant type: single nucleotide variant.
Coding change: c.397C>T on transcript NM_000639.3 (MANE Select); coding-DNA position 397, C replaced by T.
Protein change: p.His133Tyr; replaces histidine 133 with tyrosine.
Molecular consequence: missense variant. On other transcripts: synonymous variant (1).
Genome position (GRCh38, 1-based): chr1:172,664,336, C>T. VCF-style: chr1-172664336-C-T. GRCh37 (hg19) VCF-style: chr1-172633476-C-T.
Other names: c.351C>T, p.Ala117= (NM_001302746.2); short protein forms H133Y.
Identifiers: ClinVar variation 1019818 (VCV001019818.5), dbSNP rs1414237389, ClinGen allele CA343805739.

ClinVar aggregate classification (germline): Uncertain significance (1 of 4 stars; one submission).

Conditions:
Autoimmune lymphoproliferative syndrome type 1. Also called: AUTOIMMUNE LYMPHOPROLIFERATIVE SYNDROME, TYPE I, AUTOSOMAL DOMINANT. Identifiers: Orphanet 3261, MedGen C2717884, MONDO:0011158, OMIM 601859.

Allele frequency attached by ClinVar (database versions not stated): gnomAD exomes below 0.00001.

Submission:

Labcorp Genetics (formerly Invitae), Labcorp
Classification: Uncertain significance for Autoimmune lymphoproliferative syndrome. Last evaluated: 2024-02-17. Review status: criteria provided, single submitter. Criteria: Invitae Variant Classification Sherloc (09022015). Collection method: clinical testing. Allele origin: germline.
Comment: This sequence change replaces histidine, which is basic and polar, with tyrosine, which is neutral and polar, at codon 133 of the FASLG protein (p.His133Tyr). This variant is present in population databases (no rsID available, gnomAD 0.0009%). This variant has not been reported in the literature in individuals affected with FASLG-related conditions. ClinVar contains an entry for this variant (Variation ID: 1019818). An algorithm developed to predict the effect of missense changes on protein structure and function (PolyPhen-2) suggests that this variant is likely to be tolerated. In summary, the available evidence is currently insufficient to determine the role of this variant in disease. Therefore, it has been classified as a Variant of Uncertain Significance.